The following is an entry in ClinVar:

NM_000051.4(ATM):c.1627A>T (p.Thr543Ser)

Gene: ATM (ATM serine/threonine kinase; plus strand). Cytogenetic location: 11q22.3.
Variant type: single nucleotide variant.
Coding change: c.1627A>T on transcript NM_000051.4 (MANE Select); coding-DNA position 1627, A replaced by T.
Protein change: p.Thr543Ser; replaces threonine 543 with serine.
Molecular consequence: missense variant.
Genome position (GRCh38, 1-based): chr11:108,251,856, A>T. VCF-style: chr11-108251856-A-T. GRCh37 (hg19) VCF-style: chr11-108122583-A-T.
Other names: c.1627A>T, p.Thr543Ser (NM_001351834.2); short protein forms T543S.
Identifiers: ClinVar variation 927032 (VCV000927032.4), dbSNP rs2080165023, ClinGen allele CA382534509.

ClinVar aggregate classification (germline): Uncertain significance (1 of 4 stars; one submission).

Conditions:
Hereditary cancer-predisposing syndrome. Also called: Neoplastic Syndromes, Hereditary; Tumor predisposition; Hereditary Cancer Syndrome; Hereditary neoplastic syndrome. Identifiers: Orphanet 140162, MedGen C0027672, MeSH D009386, MONDO:0015356.

Submission:

Color Diagnostics, LLC DBA Color Health
Classification: Uncertain significance for Hereditary cancer-predisposing syndrome. Last evaluated: 2023-12-05. Review status: criteria provided, single submitter. Criteria: ACMG Guidelines, 2015. Collection method: clinical testing. Allele origin: germline.
Comment: This missense variant replaces threonine with serine at codon 543 of the ATM protein. Computational prediction suggests that this variant may not impact protein structure and function (internally defined REVEL score threshold <= 0.5, PMID: 27666373). To our knowledge, functional studies have not been reported for this variant. This variant has not been reported in individuals affected with ATM-related disorders in the literature. This variant has not been identified in the general population by the Genome Aggregation Database (gnomAD). The available evidence is insufficient to determine the role of this variant in disease conclusively. Therefore, this variant is classified as a Variant of Uncertain Significance.